The following is an entry in ClinVar:

ClinVar aggregate classification (germline): Conflicting classifications of pathogenicity. Review status: criteria provided, conflicting classifications (1 of 4 stars). 5 submissions from 5 submitters: Uncertain significance (4); Likely benign (1). Last evaluated 2026-01-11.

Conditions:
RYR1-related disorder. Also called: RYR1-related disorders; RYR1-related condition. Identifiers: MedGen CN239331.
Malignant hyperthermia, susceptibility to, 1 (MHS1). Also called: RYR1-Related Malignant Hyperthermia Susceptibility; Malignant hyperthermia suceptibility 1; Anesthesia related hyperthermia; Malignant hyperpyrexia; Fulminating hyperpyrexia; Pharmacogenic myopathy. Identifiers: Orphanet 423, MedGen C2930980, MONDO:0007783, OMIM 145600.

Allele frequency attached by ClinVar (database versions not stated): gnomAD exomes 0.00004 and 0.00006; ESP Exome Variant Server 0.00008; ExAC 0.00010; TOPMed 0.00013; gnomAD 0.00019; 1000 Genomes Project 0.00020; 1000 Genomes Project 30x 0.00031.
gnomAD v4.1: 88 of 1,601,844 alleles (0.0055%); highest among the groups gnomAD compares: African/African-American, 0.063%; no homozygotes.

Submissions (5):

Labcorp Genetics (formerly Invitae), Labcorp
Classification: Likely benign for RYR1-related disorder. Last evaluated: 2026-01-11. Review status: criteria provided, single submitter. Criteria: Invitae Variant Classification Sherloc (09022015). Collection method: clinical testing. Allele origin: germline.

Color Diagnostics, LLC DBA Color Health
Classification: Uncertain significance for Malignant hyperthermia, susceptibility to, 1. Last evaluated: 2024-04-02. Review status: criteria provided, single submitter. Criteria: ACMG Guidelines, 2015. Collection method: clinical testing. Allele origin: germline.
Comment: This missense variant replaces glutamic acid with lysine at codon 2381 of the RYR1 protein. Computational prediction suggests that this variant may not impact protein structure and function. To our knowledge, functional studies have not been reported for this variant. This variant has not been reported in individuals affected with RYR1-related disorders in the literature. This variant has been identified in 16/267172 chromosomes in the general population by the Genome Aggregation Database (gnomAD). The available evidence is insufficient to determine the role of this variant in disease conclusively. Therefore, this variant is classified as a Variant of Uncertain Significance.

Revvity Omics, Revvity
Classification: Uncertain significance. Last evaluated: 2024-03-14. Review status: criteria provided, single submitter. Criteria: ACMG Guidelines, 2015. Collection method: clinical testing. Allele origin: germline.

PreventionGenetics, part of Exact Sciences
Classification: Uncertain significance for RYR1-related condition. Last evaluated: 2022-12-22. Review status: criteria provided, single submitter. Criteria: ACMG Guidelines, 2015. Collection method: clinical testing. Allele origin: germline.
Comment: The RYR1 c.7141G>A variant is predicted to result in the amino acid substitution p.Glu2381Lys. To our knowledge, this variant has not been reported in the literature. This variant is reported in 0.037% of alleles in individuals of African descent in gnomAD. At this time, the clinical significance of this variant is uncertain due to the absence of conclusive functional and genetic evidence.

CeGaT Center for Human Genetics Tuebingen
Classification: Uncertain significance. Last evaluated: 2022-06-01. Review status: criteria provided, single submitter. Criteria: CeGaT Center For Human Genetics Tuebingen Variant Classification Criteria Version 2. Collection method: clinical testing. Allele origin: germline. Affected: yes. Observed: 1 variant allele.
Comment: RYR1: PP3

NM_000540.3(RYR1):c.7141G>A (p.Glu2381Lys)

Gene: RYR1 (ryanodine receptor 1; plus strand). Cytogenetic location: 19q13.2.
Variant type: single nucleotide variant.
Coding change: c.7141G>A on transcript NM_000540.3 (MANE Select); coding-DNA position 7141, G replaced by A.
Protein change: p.Glu2381Lys; replaces glutamic acid 2381 with lysine.
Molecular consequence: missense variant.
Genome position (GRCh38, 1-based): chr19:38,499,748, G>A. VCF-style: chr19-38499748-G-A. GRCh37 (hg19) VCF-style: chr19-38990388-G-A.
Other names: c.7141G>A, p.Glu2381Lys (NM_001042723.2); short protein forms E2381K.
Identifiers: ClinVar variation 590583 (VCV000590583.45), dbSNP rs148426762, ClinGen allele CA069181.